The following is an entry in ClinVar:

ClinVar aggregate classification (germline): Conflicting classifications of pathogenicity. Review status: criteria provided, conflicting classifications (1 of 4 stars). 2 submissions from 2 submitters: Uncertain significance (1); Likely benign (1). Last evaluated 2021-04-02.

Conditions:
Inborn genetic diseases. Identifiers: MedGen C0950123, MeSH D030342.
Charcot-Marie-Tooth disease axonal type 2C (HMSN2C). Also called: CHARCOT-MARIE-TOOTH DISEASE, AXONAL, AUTOSOMAL DOMINANT, TYPE 2C; Charcot-Marie-Tooth Neuropathy Type 2C; Charcot-Marie-Tooth Disease Type 2, TRPV4-Related (CMT2C). Identifiers: Orphanet 99937, MedGen C1853710, MONDO:0011633, OMIM 606071.

Allele frequency attached by ClinVar (database versions not stated): gnomAD exomes below 0.00001 and 0.00001; TOPMed below 0.00001; ExAC 0.00002.
gnomAD v4.1: 2 of 1,613,896 alleles (0.00012%); highest among the groups gnomAD compares: Non-Finnish European, 0.00017%; no homozygotes.

Submissions (2):

Ambry Genetics
Classification: Uncertain significance for Inborn genetic diseases. Last evaluated: 2021-04-02. Review status: criteria provided, single submitter. Criteria: Ambry Variant Classification Scheme 2023. Collection method: clinical testing. Allele origin: germline.
Comment: The c.1333-5C>T intronic variant results from a C to T substitution 5 nucleotides upstream from coding exon 7 in the TRPV4 gene. This nucleotide position is well conserved in available vertebrate species. In silico splice site analysis predicts that this alteration will not have any significant effect on splicing. Since supporting evidence is limited at this time, the clinical significance of this alteration remains unclear.

Labcorp Genetics (formerly Invitae), Labcorp
Classification: Likely benign for Charcot-Marie-Tooth disease axonal type 2C. Last evaluated: 2020-11-29. Review status: criteria provided, single submitter. Criteria: Invitae Variant Classification Sherloc (09022015). Collection method: clinical testing. Allele origin: germline.

NM_021625.5(TRPV4):c.1333-5C>T

Gene: TRPV4 (transient receptor potential cation channel subfamily V member 4; minus strand). Cytogenetic location: 12q24.11.
Variant type: single nucleotide variant.
Coding change: c.1333-5C>T on transcript NM_021625.5 (MANE Select); 5 bases into the intron before coding-DNA position 1333, C replaced by T.
Molecular consequence: intron variant.
Genome position (GRCh38, 1-based): chr12:109,794,492, G>A on the plus strand (C>T on the coding strand, the complement: TRPV4 is on the minus strand). VCF-style: chr12-109794492-G-A. GRCh37 (hg19) VCF-style: chr12-110232297-G-A.
Other names: c.1012-5C>T (NM_001177433.1); c.1192-5C>T (NM_001177428.1); c.1153-5C>T (NM_147204.2); c.1231-5C>T (NM_001177431.1).
Identifiers: ClinVar variation 1636571 (VCV001636571.10), dbSNP rs761542549, ClinGen allele CA6780267.